The following is an entry in ClinVar:

ClinVar aggregate classification (germline): Benign (1 of 4 stars; one submission).
ClinVar aggregate classification (somatic clinical impact): Tier II - Potential (1 of 4 stars; one submission).

Conditions:
Leukemia. Identifiers: MedGen C0023418, MeSH D007938, MONDO:0005059, HP:0001909.

Submissions (2):

Clinical Genetics Laboratory, Hai Phong University of Medicine and Pharmacy
Classification: Tier II - Potential for Leukemia. Assertion type: diagnostic. Clinical significance: supports diagnosis. Last evaluated: 2026-05-02. Review status: criteria provided, single submitter. Criteria: AMP/ASCO/CAP Guidelines, 2017. Collection method: research. Allele origin: somatic. Affected: yes.
Comment: Classification rationale per AMP/ASCO/CAP 2017 Guidelines (PMID:27993330): Tier II - Variant of Potential Clinical Significance; diagnostic: supports diagnosis. Variant: NM_170606.3:c.946A>T (p.Thr316Ser) in KMT2C, a missense single-nucleotide substitution (MODERATE predicted impact). Biological context: KMT2C (MLL3) encodes a histone H3K4 methyltransferase that is part of the COMPASS-like complex and is essential for enhancer-mediated transcriptional regulation of hematopoietic differentiation genes. KMT2C is recurrently mutated across myeloid neoplasms - including chronic myelomonocytic leukemia (CMML), myelodysplastic syndrome (MDS), and acute myeloid leukemia (AML) - and loss-of-function or deleterious missense alterations have been reported as drivers of aberrant self-renewal and impaired myeloid differentiation (e.g., Chen et al., Nature 2014; Arndt et al., Leukemia 2018). Deletions of 7q encompassing the KMT2C locus are also a well-established cytogenetic event in CMML/MDS, further supporting a tumor-suppressor role. Multiple KMT2C missense variants were identified in the same tumor, suggesting cumulative perturbation of KMT2C function consistent with its tumor-suppressor role in myeloid disease. Population data: variant is absent from gnomAD population databases, consistent with a rare/somatic event. Computational evidence: in-silico missense predictors (e.g., REVEL, CADD, SIFT, PolyPhen-2) support a deleterious effect on protein function. Evidence level: Level D (preclinical/limited case-level evidence) - the variant adds to the spectrum of KMT2C alterations described in CMML and supports a diagnostic role in this case. No FDA-approved targeted therapy is currently associated with this specific variant; KMT2C-mutant myeloid neoplasms are of growing interest for epigenetic and BET-inhibitor strategies under investigation. Classification of Tier II - diagnostic: supports diagnosis is assigned because KMT2C is a recognized recurrently-mutated gene in CMML and the variant is consistent with the deleterious missense pattern described in the disease, while direct functional or clinical-actionability data for this specific residue remain limited.

Blueprint Genetics
Classification: Benign. Last evaluated: 2024-11-27. Review status: criteria provided, single submitter. Criteria: ACMG Guidelines, 2015. Collection method: clinical testing. Allele origin: germline.

NM_170606.3(KMT2C):c.946A>T (p.Thr316Ser)

Gene: KMT2C (lysine methyltransferase 2C; minus strand). Cytogenetic location: 7q36.1.
Variant type: single nucleotide variant.
Coding change: c.946A>T on transcript NM_170606.3 (MANE Select); coding-DNA position 946, A replaced by T.
Protein change: p.Thr316Ser; replaces threonine 316 with serine.
Molecular consequence: missense variant.
Genome position (GRCh38, 1-based): chr7:152,273,771, T>A on the plus strand (A>T on the coding strand, the complement: KMT2C is on the minus strand). VCF-style: chr7-152273771-T-A. GRCh37 (hg19) VCF-style: chr7-151970856-T-A.
Other names: short protein forms T316S.
Identifiers: ClinVar variation 4857732 (VCV004857732.2).